The following is an entry in ClinVar:

ClinVar aggregate classification (germline): Uncertain significance (1 of 4 stars; one submission).

Submission:

Labcorp Genetics (formerly Invitae), Labcorp
Classification: Uncertain significance. Last evaluated: 2022-04-06. Review status: criteria provided, single submitter. Criteria: Invitae Variant Classification Sherloc (09022015). Collection method: clinical testing. Allele origin: germline.
Comment: In summary, the available evidence is currently insufficient to determine the role of this variant in disease. Therefore, it has been classified as a Variant of Uncertain Significance. Experimental studies and prediction algorithms are not available or were not evaluated, and the functional significance of this variant is currently unknown. This variant has not been reported in the literature in individuals affected with OBSL1-related conditions. This variant is not present in population databases (gnomAD no frequency). This sequence change creates a premature translational stop signal (p.Ser1564Cysfs*6) in the OBSL1 gene. However, it is currently unclear if variants that occur in this region of the gene cause disease.

NM_015311.3(OBSL1):c.4689_4690dup (p.Ser1564fs)

Gene: OBSL1 (obscurin like cytoskeletal adaptor 1; minus strand). Cytogenetic location: 2q35.
Variant type: Duplication.
Coding change: c.4689_4690dup on transcript NM_015311.3 (MANE Select); coding-DNA positions 4689 to 4690, 2 bases duplicated (GT; older notation c.4689_4690dupGT).
Protein change: p.Ser1564fs; shifts the reading frame from serine 1564.
Molecular consequence: frameshift variant.
Genome position (GRCh38, 1-based): chr2:219,554,660-219,554,661, AC duplicated on the plus strand (GT on the coding strand, the reverse complement: OBSL1 is on the minus strand); duplicating any 2 consecutive bases within chr2:219,554,660-219,554,662 gives the same sequence; the c. name uses the placement nearest the transcript's 3' end. VCF-style (leftmost placement, unchanged base first): chr2-219554659-G-GAC. GRCh37 (hg19) VCF-style: chr2-220419381-G-GAC.
Other names: short protein forms S1564fs.
Identifiers: ClinVar variation 2104886 (VCV002104886.4), dbSNP rs2546201937, ClinGen allele CA2580065783.